The following is an entry in ClinVar:

ClinVar aggregate classification (germline): Uncertain significance (1 of 4 stars; one submission).

Allele frequency attached by ClinVar (database versions not stated): ExAC 0.00003; TOPMed 0.00003; gnomAD 0.00004.
gnomAD v4.1: 66 of 1,614,090 alleles (0.0041%); highest among the groups gnomAD compares: Non-Finnish European, 0.0054%; no homozygotes.

Submission:

Labcorp Genetics (formerly Invitae), Labcorp
Classification: Uncertain significance. Last evaluated: 2023-10-13. Review status: criteria provided, single submitter. Criteria: Invitae Variant Classification Sherloc (09022015). Collection method: clinical testing. Allele origin: germline.
Comment: This sequence change replaces lysine, which is basic and polar, with asparagine, which is neutral and polar, at codon 403 of the GDF5 protein (p.Lys403Asn). This variant is present in population databases (rs150867739, gnomAD 0.007%). This variant has not been reported in the literature in individuals affected with GDF5-related conditions. Advanced modeling of protein sequence and biophysical properties (such as structural, functional, and spatial information, amino acid conservation, physicochemical variation, residue mobility, and thermodynamic stability) has been performed at Invitae for this missense variant, however the output from this modeling did not meet the statistical confidence thresholds required to predict the impact of this variant on GDF5 protein function. In summary, the available evidence is currently insufficient to determine the role of this variant in disease. Therefore, it has been classified as a Variant of Uncertain Significance.

NM_000557.5(GDF5):c.1209G>T (p.Lys403Asn)

Genes: GDF5 (growth differentiation factor 5; minus strand), GDF5-AS1 (GDF5 antisense RNA 1; plus strand). Cytogenetic location: 20q11.22.
Variant type: single nucleotide variant.
Coding change: c.1209G>T on transcript NM_000557.5 (MANE Select); coding-DNA position 1209, G replaced by T.
Protein change: p.Lys403Asn; replaces lysine 403 with asparagine.
Molecular consequence: missense variant. On other transcripts: non-coding transcript variant (1).
Genome position (GRCh38, 1-based): chr20:35,434,206, C>A on the plus strand (G>T on the coding strand, the complement: GDF5 is on the minus strand). VCF-style: chr20-35434206-C-A. GRCh37 (hg19) VCF-style: chr20-34022004-C-A.
Other names: c.1209G>T, p.Lys403Asn (NM_001319138.2); short protein forms K403N.
Identifiers: ClinVar variation 2731477 (VCV002731477.2), dbSNP rs150867739, ClinGen allele CA9832143.